The following is an entry in ClinVar:

ClinVar aggregate classification (germline): Likely benign. Review status: criteria provided, multiple submitters, no conflicts (2 of 4 stars). 2 submissions from 2 submitters: Likely benign (2). Last evaluated 2025-04-16.

Conditions:
Alpha thalassemia-X-linked intellectual disability syndrome (ATRX). Also called: ALPHA-THALASSEMIA/MENTAL RETARDATION SYNDROME, X-LINKED; ATR, NONDELETION TYPE; ATR-X syndrome; Alpha thalassemia mental retardation syndrome, nondeletion type, X-linked; XLMR hypotonic face syndrome; X-linked alpha-thalassemia-mental retardation syndrome. Identifiers: Orphanet 847, MedGen C1845055, MONDO:0010519, OMIM 301040.

Allele frequency attached by ClinVar (database versions not stated): TOPMed 0.00005.

Submissions (2):

Women's Health and Genetics/Laboratory Corporation of America, LabCorp
Classification: Likely benign. Last evaluated: 2025-04-16. Review status: criteria provided, single submitter. Criteria: LabCorp Variant Classification Summary - May 2015. Collection method: clinical testing. Allele origin: germline.
Comment: Variant summary: ATRX c.3737-8C>T alters a non-conserved nucleotide located at a position not widely known to affect splicing. Consensus agreement among computation tools predict no significant impact on normal splicing. However, these predictions have yet to be confirmed by functional studies. The variant was absent in 181784 control chromosomes. The available data on variant occurrences in the general population are insufficient to allow any conclusion about variant significance. To our knowledge, no occurrence of c.3737-8C>T in individuals affected with ATR-X Syndrome and no experimental evidence demonstrating its impact on protein function have been reported. ClinVar contains an entry for this variant (Variation ID: 1128275). Based on the evidence outlined above, the variant was classified as likely benign.

Labcorp Genetics (formerly Invitae), Labcorp
Classification: Likely benign for Alpha thalassemia-X-linked intellectual disability syndrome. Last evaluated: 2024-10-22. Review status: criteria provided, single submitter. Criteria: Invitae Variant Classification Sherloc (09022015). Collection method: clinical testing. Allele origin: germline.

NM_000489.6(ATRX):c.3737-8C>T

Gene: ATRX (ATRX chromatin remodeler; minus strand). Cytogenetic location: Xq21.1.
Variant type: single nucleotide variant.
Coding change: c.3737-8C>T on transcript NM_000489.6 (MANE Select); 8 bases into the intron before coding-DNA position 3737, C replaced by T.
Molecular consequence: intron variant.
Genome position (GRCh38, 1-based): chrX:77,676,306, G>A on the plus strand (C>T on the coding strand, the complement: ATRX is on the minus strand). VCF-style: chrX-77676306-G-A. GRCh37 (hg19) VCF-style: chrX-76931801-G-A.
Other names: c.3623-8C>T (NM_138270.5).
Identifiers: ClinVar variation 1128275 (VCV001128275.12), dbSNP rs2070862607, ClinGen allele CA1134494718.